The following is an entry in ClinVar:

ClinVar aggregate classification (germline): Pathogenic (1 of 4 stars; one submission).

Conditions:
Spastic paraplegia. Identifiers: MedGen C0037772, HP:0001258.

Submission:

Labcorp Genetics (formerly Invitae), Labcorp
Classification: Pathogenic for Spastic paraplegia. Last evaluated: 2023-03-08. Review status: criteria provided, single submitter. Criteria: Invitae Variant Classification Sherloc (09022015). Collection method: clinical testing. Allele origin: germline.
Comment: This sequence change creates a premature translational stop signal (p.Tyr2933*) in the SACS gene. While this is not anticipated to result in nonsense mediated decay, it is expected to disrupt the last 1647 amino acid(s) of the SACS protein. This variant is not present in population databases (gnomAD no frequency). This variant has not been reported in the literature in individuals affected with SACS-related conditions. This variant disrupts a region of the SACS protein in which other variant(s) (p.Leu4451Pro) have been determined to be pathogenic (PMID: 23785480, 26288984). This suggests that this is a clinically significant region of the protein, and that variants that disrupt it are likely to be disease-causing. For these reasons, this variant has been classified as Pathogenic.

Literature cited by the submitters: PubMed 23785480; PubMed 26288984.

NM_014363.6(SACS):c.8799T>A (p.Tyr2933Ter)

Gene: SACS (sacsin molecular chaperone; minus strand). Cytogenetic location: 13q12.12.
Variant type: single nucleotide variant.
Coding change: c.8799T>A on transcript NM_014363.6 (MANE Select); coding-DNA position 8799, T replaced by A.
Protein change: p.Tyr2933Ter; replaces tyrosine 2933 with a stop codon.
Molecular consequence: nonsense.
Genome position (GRCh38, 1-based): chr13:23,335,077, A>T on the plus strand (T>A on the coding strand, the complement: SACS is on the minus strand). VCF-style: chr13-23335077-A-T. GRCh37 (hg19) VCF-style: chr13-23909216-A-T.
Other names: c.8358T>A, p.Tyr2786Ter (NM_001278055.2); short protein forms Y2933*, Y2786*.
Identifiers: ClinVar variation 2844242 (VCV002844242.3), dbSNP rs779302353, ClinGen allele CA387515837.